The following is an entry in ClinVar:

NM_000517.6(HBA2):c.96-2A>G

Genes: HBA2 (hemoglobin subunit alpha 2; plus strand), LOC106804612 (hemoglobin subunit alpha 2 recombination region; plus strand). Cytogenetic location: 16p13.3.
Variant type: single nucleotide variant.
Coding change: c.96-2A>G on transcript NM_000517.6 (MANE Select); the canonical splice acceptor site of the intron before coding-DNA position 96, A replaced by G.
Molecular consequence: splice acceptor variant.
Genome position (GRCh38, 1-based): chr16:173,123, A>G. VCF-style: chr16-173123-A-G. GRCh37 (hg19) VCF-style: chr16-223122-A-G.
Other names: IVS1, A-G, -116; c.96-2A>G (NM_000517.5).
Identifiers: ClinVar variation 15679 (VCV000015679.19), dbSNP rs41457746, ClinGen allele CA125641.

ClinVar aggregate classification (germline): Pathogenic. Review status: criteria provided, multiple submitters, no conflicts (2 of 4 stars). 6 submissions from 6 submitters: Pathogenic (3). 3 of the submissions do not count toward it. Last evaluated 2025-11-12.

Conditions:
Erythrocytosis, familial, 7. Also called: ERYTHROCYTOSIS, ALPHA-GLOBIN TYPE; POLYCYTHEMIA, ALPHA-GLOBIN TYPE; ERYTHROCYTOSIS 7. Identifiers: MedGen C4693823, MONDO:0054802, OMIM 617981.
Heinz body anemia. Also called: Heinz body hemolytic anemia. Identifiers: Orphanet 178330, MedGen C0700299, MONDO:0007705, OMIM 140700, HP:0005511.
Hemoglobin H disease (HBH). Also called: Hemoglobin H (HbH) Disease; HEMOGLOBIN H DISEASE, DELETIONAL; ALPHA-THALASSEMIA, HEMOGLOBIN H TYPE. Identifiers: Orphanet 93616, MedGen C3161174, MONDO:0013512, OMIM 613978. Disease mechanism: loss of function.
alpha Thalassemia. Also called: Alpha thalassemia spectrum. Identifiers: Orphanet 846, MedGen C0002312, MONDO:0011399, OMIM 604131.
Alpha-thalassemia, Dutch type. Also called: Alpha plus thalassemia. Identifiers: MedGen C1456873.

Allele frequency attached by ClinVar (database versions not stated): gnomAD 0.00004; gnomAD exomes 0.00004.

Submissions (6):

Natera, Inc.
Classification: Pathogenic for Alpha thalassemia. Last evaluated: 2025-11-12. Review status: criteria provided, single submitter. Criteria: Natera Variant Classification Schema (03/2026). Collection method: clinical testing. Allele origin: germline.
Comment: The c.96-2A>G variant in HBA2 is a canonical splice acceptor site variant predicted to affect pre-mRNA splicing, which may result in an abnormal transcript and altered protein product. This variant is expected to result in nonsense mediated decay, truncation, or a dysfunctional protein product. This variant is rare in the general population with a frequency below the threshold expected for the associated phenotype(s). This variant has been observed in one or more individuals affected with the associated recessive disease, as either homozygous or compound heterozygous with a second variant (PMID: 12603095, 30676123). Given the available evidence, this variant is classified as Pathogenic.

ARUP Laboratories, Molecular Genetics and Genomics, ARUP Laboratories
Classification: Pathogenic. Last evaluated: 2024-07-03. Review status: criteria provided, single submitter. Criteria: ARUP Molecular Germline Variant Investigation Process 2024. Collection method: clinical testing. Allele origin: germline.
Comment: The IVS-I-116 variant (HBA2: c.96-2A>G, HbVar ID: 1066, rs41457746) is reported in the literature in multiple individuals affected with alpha (+) thalassemia in the heterozygous state (see HbVar and references therein, Bayat 2013). This variant was observed in trans with the alpha 3.7 deletion in an individual with alpha thalassemia with Hb H inclusion bodies (Harteveld 2003). Additionally, this variant was detected in a fetus with Hb H disease in trans with the Southeast Asian deletion (--SEA) (He 2018). This variant is also reported in ClinVar (Variation ID: 15679). This variant is only observed on one allele in the Genome Aggregation Database, indicating it is not a common polymorphism. This variant disrupts the canonical splice acceptor site of intron one, which is likely to negatively impact gene function. Analyses of the variant transcript show intron one is retained leading to a premature stop codon and post-transcriptional instability (Harteveld 1996). Based on available information, this variant is considered to be pathogenic. References: Link to HbVar: Bayat N et al. Novel mutations responsible for alpha-thalassemia in Iranian families. Hemoglobin. 2013;37(2):148-59. PMID: 23402770. Harteveld CL et al. An IVS1-116 (A-->G) acceptor splice site mutation in the alpha 2 globin gene causing alpha + thalassaemia in two Dutch families. Br J Haematol. 1996 Dec;95(3):461-6. PMID: 8943885. Harteveld CL et al. The Dutch IVS-I-116 (A --> G) (alpha2) thalassemia mutation induces Hb H inclusion bodies when found in combination with the -alpha3.7 deletion defect. Hemoglobin. 2003 Feb;27(1):49-51. PMID: 12603095. He XH et al. First Report of a Case with Nondeletional Hb H Disease Caused by IVS-I-116 (A>G) of the alpha2-Globin Gene. Hemoglobin. 2018 Sep-Nov;42(5-6):344-346. PMID: 30676123.

Fulgent Genetics
Classification: Pathogenic for Heinz body anemia; alpha Thalassemia; Hemoglobin H disease; Erythrocytosis, familial, 7. Last evaluated: 2021-11-05. Review status: criteria provided, single submitter. Criteria: ACMG Guidelines, 2015. Collection method: clinical testing. Allele origin: unknown.

OMIM
Classification: Pathogenic for ALPHA-THALASSEMIA, DUTCH TYPE. Last evaluated: 2003-02-01. Review status: no assertion criteria provided. Collection method: literature only. Allele origin: germline. Not counted in ClinVar's aggregate classification.

Clinical Genetics DNA and cytogenetics Diagnostics Lab, Erasmus MC, Erasmus Medical Center
Classification: Pathogenic. Review status: no assertion criteria provided. Collection method: clinical testing. Allele origin: germline. Affected: yes. Study: VKGL Data-share Consensus. Not counted in ClinVar's aggregate classification.

Laboratory of Diagnostic Genome Analysis, Leiden University Medical Center (LUMC)
Classification: Pathogenic. Review status: no assertion criteria provided. Collection method: clinical testing. Allele origin: germline. Affected: yes. Study: VKGL Data-share Consensus. Not counted in ClinVar's aggregate classification.

Literature cited by the submitters: PubMed 12603095 (cited by Natera, Inc. and OMIM); PubMed 30676123 (cited by Natera, Inc.); PubMed 8943885 (cited by OMIM).